The following is an entry in ClinVar:

ClinVar aggregate classification (germline): Uncertain significance (1 of 4 stars; one submission).

Conditions:
Neuronal ceroid lipofuscinosis. Also called: Neuronal Ceroid Lipofuscinoses. Identifiers: Orphanet 216, Orphanet 79263, MedGen C0027877, MONDO:0016295. Disease mechanism: loss of function.

Allele frequency attached by ClinVar (database versions not stated): gnomAD 0.00001; gnomAD exomes 0.00001 and 0.00002; TOPMed 0.00002; ExAC 0.00003; ESP Exome Variant Server 0.00008.
gnomAD v4.1: 11 of 1,613,272 alleles (0.00068%); highest among the groups gnomAD compares: African/African-American, 0.0027%; no homozygotes.

Submission:

Labcorp Genetics (formerly Invitae), Labcorp
Classification: Uncertain significance for Neuronal ceroid lipofuscinosis. Last evaluated: 2022-08-12. Review status: criteria provided, single submitter. Criteria: Invitae Variant Classification Sherloc (09022015). Collection method: clinical testing. Allele origin: germline.
Comment: This sequence change replaces methionine, which is neutral and non-polar, with isoleucine, which is neutral and non-polar, at codon 326 of the CTSD protein (p.Met326Ile). This variant is present in population databases (rs370282882, gnomAD 0.007%). This variant has not been reported in the literature in individuals affected with CTSD-related conditions. ClinVar contains an entry for this variant (Variation ID: 658918). Algorithms developed to predict the effect of missense changes on protein structure and function output the following: SIFT: "Tolerated"; PolyPhen-2: "Benign"; Align-GVGD: "Class C0". The isoleucine amino acid residue is found in multiple mammalian species, which suggests that this missense change does not adversely affect protein function. Algorithms developed to predict the effect of sequence changes on RNA splicing suggest that this variant may create or strengthen a splice site. In summary, the available evidence is currently insufficient to determine the role of this variant in disease. Therefore, it has been classified as a Variant of Uncertain Significance.

NM_001909.5(CTSD):c.978G>A (p.Met326Ile)

Gene: CTSD (cathepsin D; minus strand). Cytogenetic location: 11p15.5.
Variant type: single nucleotide variant.
Coding change: c.978G>A on transcript NM_001909.5 (MANE Select); coding-DNA position 978, G replaced by A.
Protein change: p.Met326Ile; replaces methionine 326 with isoleucine.
Molecular consequence: missense variant.
Genome position (GRCh38, 1-based): chr11:1,753,896, C>T on the plus strand (G>A on the coding strand, the complement: CTSD is on the minus strand). VCF-style: chr11-1753896-C-T. GRCh37 (hg19) VCF-style: chr11-1775126-C-T.
Other names: short protein forms M326I.
Identifiers: ClinVar variation 658918 (VCV000658918.6), dbSNP rs370282882, ClinGen allele CA5813956.